The following is an entry in ClinVar:

NM_003628.6(PKP4):c.70A>G (p.Thr24Ala)

Gene: PKP4 (plakophilin 4; plus strand). Cytogenetic location: 2q24.1.
Variant type: single nucleotide variant.
Coding change: c.70A>G on transcript NM_003628.6 (MANE Select); coding-DNA position 70, A replaced by G.
Protein change: p.Thr24Ala; replaces threonine 24 with alanine.
Molecular consequence: missense variant. On other transcripts: 5 prime UTR variant (1).
Genome position (GRCh38, 1-based): chr2:158,533,254, A>G. VCF-style: chr2-158533254-A-G. GRCh37 (hg19) VCF-style: chr2-159389766-A-G.
Other names: c.70A>G, p.Thr24Ala (NM_001005476.4, NM_001304969.3, NM_001304971.2 and 9 more transcripts); c.-880A>G (NM_001304970.3); short protein forms T24A.
Identifiers: ClinVar variation 5026798 (VCV005026798.1).

ClinVar aggregate classification (germline): Uncertain significance (1 of 4 stars; one submission).

gnomAD v4.1: 3 of 1,614,124 alleles (0.00019%); highest among the groups gnomAD compares: Non-Finnish European, 0.00025%; no homozygotes.

Submission:

Ambry Genetics
Classification: Uncertain significance. Last evaluated: 2026-07-21. Review status: criteria provided, single submitter. Criteria: Ambry Variant Classification Scheme 2023. Collection method: clinical testing. Allele origin: germline.
Comment: The p.T24A variant (also known as c.70A>G), located in coding exon 1 of the PKP4 gene, results from an A to G substitution at nucleotide position 70. The threonine at codon 24 is replaced by alanine, an amino acid with similar properties. This amino acid position is conserved. In addition, this alteration is predicted to be tolerated by in silico analysis. Based on the available evidence, the clinical significance of this variant remains unclear.